The following is an entry in ClinVar:

NM_000092.5(COL4A4):c.1802del (p.Pro601fs)

Gene: COL4A4 (collagen type IV alpha 4 chain; minus strand). Cytogenetic location: 2q36.3.
Variant type: Deletion.
Coding change: c.1802del on transcript NM_000092.5 (MANE Select); coding-DNA position 1802, one base deleted (C; older notation c.1802delC).
Protein change: p.Pro601fs; shifts the reading frame from proline 601.
Molecular consequence: frameshift variant.
Genome position (GRCh38, 1-based): chr2:227,080,444, G deleted on the plus strand (C on the coding strand, the reverse complement: COL4A4 is on the minus strand); the first of 2 consecutive G bases (chr2:227,080,444-227,080,445); deleting either gives the same sequence. VCF-style (leftmost placement, unchanged base first): chr2-227080443-TG-T. GRCh37 (hg19) VCF-style: chr2-227945159-TG-T.
Other names: short protein forms P601fs.
Identifiers: ClinVar variation 3600350 (VCV003600350.2).
Genomic context (GRCh38, chr2:227,080,443, plus strand): 5'-GTTGTTTGTATGACCATATAAGAAAGTGAAATTCTATAGCAAGAGAAGAATTCTACATAC[TG>T]GAGGTCCTGGATCCCCTTTTTCTCCAGCATGTCCATCCCGACCATGTGATCCTGGCTGCC-3'

ClinVar aggregate classification (germline): Likely pathogenic (1 of 4 stars; one submission).

Conditions:
Hematuria, benign familial, 1 (BFH1). Also called: THIN MEMBRANE NEPHROPATHY. Identifiers: MedGen CN376803, MONDO:0007709, OMIM 141200.

Submission:

Molecular Genetics Laboratory, Motol Hospital
Classification: Likely pathogenic for Hematuria, benign familial, 1. Last evaluated: 2025-01-24. Review status: criteria provided, single submitter. Criteria: ACMG Guidelines, 2015. Collection method: clinical testing. Allele origin: maternal. Affected: yes. Observed: 2 variant alleles.
Comment: Rare truncating variants affecting the COL4A4 gene are documented as a molecular cause of autosomal dominant "benign familial hematuria 1" (BFH1; OMIM:141200; PMID:24052634;PMID:30293248;PMID:11961012). To conclude, the variant is classified as likely pathogenic (ACMG PVS1, PM2).

Literature cited by the submitters: PubMed 24052634; PubMed 30293248; PubMed 11961012.